The following is an entry in ClinVar:

ClinVar aggregate classification (germline): Uncertain significance (1 of 4 stars; one submission).

Conditions:
Multiple congenital anomalies-hypotonia-seizures syndrome 2 (MCAHS2). Also called: GLYCOSYLPHOSPHATIDYLINOSITOL BIOSYNTHESIS DEFECT 4; EPILEPTIC ENCEPHALOPATHY, EARLY INFANTILE, 20. Identifiers: Orphanet 300496, MedGen C3275508, MONDO:0010466, OMIM 300868.

Submission:

Labcorp Genetics (formerly Invitae), Labcorp
Classification: Uncertain significance for Multiple congenital anomalies-hypotonia-seizures syndrome 2. Last evaluated: 2025-04-14. Review status: criteria provided, single submitter. Criteria: Invitae Variant Classification Sherloc (09022015). Collection method: clinical testing. Allele origin: germline.
Comment: This sequence change replaces isoleucine, which is neutral and non-polar, with valine, which is neutral and non-polar, at codon 455 of the PIGA protein (p.Ile455Val). This variant is not present in population databases (gnomAD no frequency). This variant has not been reported in the literature in individuals affected with PIGA-related conditions. ClinVar contains an entry for this variant (Variation ID: 2051866). Invitae Evidence Modeling of protein sequence and biophysical properties (such as structural, functional, and spatial information, amino acid conservation, physicochemical variation, residue mobility, and thermodynamic stability) indicates that this missense variant is not expected to disrupt PIGA protein function with a negative predictive value of 95%. In summary, the available evidence is currently insufficient to determine the role of this variant in disease. Therefore, it has been classified as a Variant of Uncertain Significance.

NM_002641.4(PIGA):c.1363A>G (p.Ile455Val)

Gene: PIGA (phosphatidylinositol glycan anchor biosynthesis class A; minus strand). Cytogenetic location: Xp22.2.
Variant type: single nucleotide variant.
Coding change: c.1363A>G on transcript NM_002641.4 (MANE Select); coding-DNA position 1363, A replaced by G.
Protein change: p.Ile455Val; replaces isoleucine 455 with valine.
Molecular consequence: missense variant. On other transcripts: non-coding transcript variant (2).
Genome position (GRCh38, 1-based): chrX:15,321,598, T>C on the plus strand (A>G on the coding strand, the complement: PIGA is on the minus strand). VCF-style: chrX-15321598-T-C. GRCh37 (hg19) VCF-style: chrX-15339720-T-C.
Other names: c.661A>G, p.Ile221Val (NM_020473.3); short protein forms I221V, I455V.
Identifiers: ClinVar variation 2051866 (VCV002051866.4), dbSNP rs2519321623, ClinGen allele CA412333960.
Genomic context (GRCh38, chrX:15,321,598, plus strand): 5'-CCCCTCTTTTACTGTGAGAATAGTTATTAGTCCAGGCACCCCGTGGCCCAGTGGCATCTA[T>C]TGCAACATCAATGATAGAATCTGGAGTCATCCATCTCAAGAAAATGAGGAAGAGGAAGTT-3'
Protein context (NP_002632.1, residues 445-465): MTPDSIIDVA[Ile455Val]DATGPRGAWT